The following is an entry in ClinVar:

ClinVar aggregate classification (germline): Uncertain significance (1 of 4 stars; one submission).

Conditions:
Joubert syndrome. Also called: CEREBELLOPARENCHYMAL DISORDER IV; JOUBERT-BOLTSHAUSER SYNDROME; Familial aplasia of the vermis. Identifiers: Orphanet 475, MedGen C5979921, MONDO:0018772.
Meckel-Gruber syndrome. Also called: DYSENCEPHALIA SPLANCHNOCYSTICA; GRUBER SYNDROME; Dysencephalia splachnocystica. Identifiers: Orphanet 564, MedGen C0265215, MONDO:0018921.

Allele frequency attached by ClinVar (database versions not stated): gnomAD exomes 0.00001.
gnomAD v4.1: 10 of 1,613,158 alleles (0.00062%); highest among the groups gnomAD compares: Non-Finnish European, 0.00085%; no homozygotes.

Submission:

Labcorp Genetics (formerly Invitae), Labcorp
Classification: Uncertain significance for Joubert syndrome; Meckel-Gruber syndrome. Last evaluated: 2021-12-08. Review status: criteria provided, single submitter. Criteria: Invitae Variant Classification Sherloc (09022015). Collection method: clinical testing. Allele origin: germline.
Comment: This sequence change affects codon 341 of the MKS1 mRNA. It is a 'silent' change, meaning that it does not change the encoded amino acid sequence of the MKS1 protein. It affects a nucleotide within the consensus splice site. This variant is not present in population databases (gnomAD no frequency). This variant has not been reported in the literature in individuals affected with MKS1-related conditions. Algorithms developed to predict the effect of sequence changes on RNA splicing suggest that this variant is not likely to affect RNA splicing. In summary, the available evidence is currently insufficient to determine the role of this variant in disease. Therefore, it has been classified as a Variant of Uncertain Significance.

NM_017777.4(MKS1):c.1023T>C (p.Ala341=)

Gene: MKS1 (MKS transition zone complex subunit 1; minus strand). Cytogenetic location: 17q22.
Variant type: single nucleotide variant.
Coding change: c.1023T>C on transcript NM_017777.4 (MANE Select); coding-DNA position 1023, T replaced by C.
Protein change: p.Ala341=; no amino-acid change (alanine 341 retained).
Molecular consequence: synonymous variant.
Genome position (GRCh38, 1-based): chr17:58,210,660, A>G on the plus strand (T>C on the coding strand, the complement: MKS1 is on the minus strand). VCF-style: chr17-58210660-A-G. GRCh37 (hg19) VCF-style: chr17-56288021-A-G.
Other names: c.414T>C, p.Ala138= (NM_001321268.2); c.1023T>C, p.Ala341= (NM_001321269.2, NM_001330397.2).
Identifiers: ClinVar variation 1393196 (VCV001393196.6), dbSNP rs2143774558, ClinGen allele CA501030123.